The following is an entry in ClinVar:

ClinVar aggregate classification (germline): Uncertain significance. Review status: criteria provided, multiple submitters, no conflicts (2 of 4 stars). 2 submissions from 2 submitters: Uncertain significance (2). Last evaluated 2026-09-11.

gnomAD v4.1: 5 of 1,613,348 alleles (0.00031%); highest among the groups gnomAD compares: Non-Finnish European, 0.00042%; no homozygotes.

Submissions (2):

GeneDx
Classification: Uncertain significance. Last evaluated: 2026-09-11. Review status: criteria provided, single submitter. Criteria: GeneDx Variant Classification Process June 2021. Collection method: clinical testing. Allele origin: germline.
Comment: In silico analysis supports that this missense variant has a deleterious effect on protein structure/function; Has not been previously published as pathogenic or benign to our knowledge; Variants in candidate genes are classified as variants of uncertain significance in accordance with ACMG guidelines (PMID: 25741868)

Labcorp Genetics (formerly Invitae), Labcorp
Classification: Uncertain significance. Last evaluated: 2024-10-28. Review status: criteria provided, single submitter. Criteria: Invitae Variant Classification Sherloc (09022015). Collection method: clinical testing. Allele origin: germline.
Comment: This sequence change replaces arginine, which is basic and polar, with glycine, which is neutral and non-polar, at codon 1048 of the DIAPH3 protein (p.Arg1048Gly). This variant is not present in population databases (gnomAD no frequency). This variant has not been reported in the literature in individuals affected with DIAPH3-related conditions. ClinVar contains an entry for this variant (Variation ID: 1326089). An algorithm developed to predict the effect of missense changes on protein structure and function (PolyPhen-2) suggests that this variant is likely to be tolerated. In summary, the available evidence is currently insufficient to determine the role of this variant in disease. Therefore, it has been classified as a Variant of Uncertain Significance.

NM_001042517.2(DIAPH3):c.3142C>G (p.Arg1048Gly)

Gene: DIAPH3 (diaphanous related formin 3; minus strand). Cytogenetic location: 13q21.2.
Variant type: single nucleotide variant.
Coding change: c.3142C>G on transcript NM_001042517.2 (MANE Select); coding-DNA position 3142, C replaced by G.
Protein change: p.Arg1048Gly; replaces arginine 1048 with glycine.
Molecular consequence: missense variant.
Genome position (GRCh38, 1-based): chr13:59,810,809, G>C on the plus strand (C>G on the coding strand, the complement: DIAPH3 is on the minus strand). VCF-style: chr13-59810809-G-C. GRCh37 (hg19) VCF-style: chr13-60384943-G-C.
Other names: c.3109C>G, p.Arg1037Gly (NM_001258366.2); c.3004C>G, p.Arg1002Gly (NM_001258367.2); c.2932C>G, p.Arg978Gly (NM_001258368.2); c.3142C>G, p.Arg1048Gly (NM_001258369.2); c.2353C>G, p.Arg785Gly (NM_030932.4); short protein forms R1002G, R1037G, R1048G, R785G, R978G.
Identifiers: ClinVar variation 1326089 (VCV001326089.7), dbSNP rs200684775, ClinGen allele CA6996154.